The following is an entry in ClinVar:

ClinVar aggregate classification (germline): Uncertain significance (1 of 4 stars; one submission).

Allele frequency attached by ClinVar (database versions not stated): gnomAD exomes below 0.00001.
gnomAD v4.1: 1 of 1,611,152 alleles (0.000062%); highest among the groups gnomAD compares: Non-Finnish European, 0.000085%; no homozygotes.

Submission:

Ambry Genetics
Classification: Uncertain significance. Last evaluated: 2024-02-10. Review status: criteria provided, single submitter. Criteria: Ambry Variant Classification Scheme 2023. Collection method: clinical testing. Allele origin: germline.
Comment: The p.L150V variant (also known as c.448C>G), located in coding exon 4 of the BUB3 gene, results from a C to G substitution at nucleotide position 448. The leucine at codon 150 is replaced by valine, an amino acid with highly similar properties. This amino acid position is conserved. In addition, the in silico prediction for this alteration is inconclusive. Since supporting evidence is limited at this time, the clinical significance of this alteration remains unclear.

NM_004725.4(BUB3):c.448C>G (p.Leu150Val)

Gene: BUB3 (BUB3 mitotic checkpoint protein; plus strand). Cytogenetic location: 10q26.13.
Variant type: single nucleotide variant.
Coding change: c.448C>G on transcript NM_004725.4 (MANE Select); coding-DNA position 448, C replaced by G.
Protein change: p.Leu150Val; replaces leucine 150 with valine.
Molecular consequence: missense variant.
Genome position (GRCh38, 1-based): chr10:123,160,437, C>G. VCF-style: chr10-123160437-C-G. GRCh37 (hg19) VCF-style: chr10-124919953-C-G.
Other names: c.448C>G, p.Leu150Val (NM_001007793.3); short protein forms L150V.
Identifiers: ClinVar variation 1740947 (VCV001740947.2), dbSNP rs2493763144, ClinGen allele CA378626118.
Genomic context (GRCh38, chr10:123,160,437, plus strand): 5'-TTTTTAGCAAGTTTTGATCTTTTTTAAAAGGTATATACCCTCTCAGTGTCTGGAGACCGG[C>G]TGATTGTGGGAACAGCAGGCCGCAGAGTGTTGGTGTGGGACTTACGGAACATGGGTTACG-3'
Protein context (NP_004716.1, residues 140-160): VYTLSVSGDR[Leu150Val]IVGTAGRRVL